The following is an entry in ClinVar:

ClinVar aggregate classification (germline): Uncertain significance (1 of 4 stars; one submission).

Conditions:
Autosomal recessive severe congenital neutropenia due to CSF3R deficiency. Also called: Neutropenia, severe congenital, 7, autosomal recessive. Identifiers: Orphanet 420702, MedGen C4310764, MONDO:0014865, OMIM 617014.

Submission:

Labcorp Genetics (formerly Invitae), Labcorp
Classification: Uncertain significance for Autosomal recessive severe congenital neutropenia due to CSF3R deficiency. Last evaluated: 2022-09-26. Review status: criteria provided, single submitter. Criteria: Invitae Variant Classification Sherloc (09022015). Collection method: clinical testing. Allele origin: germline.
Comment: In summary, the available evidence is currently insufficient to determine the role of this variant in disease. Therefore, it has been classified as a Variant of Uncertain Significance. Advanced modeling of protein sequence and biophysical properties (such as structural, functional, and spatial information, amino acid conservation, physicochemical variation, residue mobility, and thermodynamic stability) performed at Invitae indicates that this missense variant is not expected to disrupt CSF3R protein function. This variant has not been reported in the literature in individuals affected with CSF3R-related conditions. This variant is present in population databases (no rsID available, gnomAD 0.003%). This sequence change replaces proline, which is neutral and non-polar, with serine, which is neutral and polar, at codon 377 of the CSF3R protein (p.Pro377Ser).

NM_000760.4(CSF3R):c.1129C>T (p.Pro377Ser)

Gene: CSF3R (colony stimulating factor 3 receptor; minus strand). Cytogenetic location: 1p34.3.
Variant type: single nucleotide variant.
Coding change: c.1129C>T on transcript NM_000760.4 (MANE Select); coding-DNA position 1129, C replaced by T.
Protein change: p.Pro377Ser; replaces proline 377 with serine.
Molecular consequence: missense variant.
Genome position (GRCh38, 1-based): chr1:36,471,589, G>A on the plus strand (C>T on the coding strand, the complement: CSF3R is on the minus strand). VCF-style: chr1-36471589-G-A. GRCh37 (hg19) VCF-style: chr1-36937190-G-A.
Other names: c.1129C>T, p.Pro377Ser (NM_156039.3, NM_172313.3); short protein forms P377S.
Identifiers: ClinVar variation 1717615 (VCV001717615.5), dbSNP rs770743937, ClinGen allele CA20747861.
Genomic context (GRCh38, chr1:36,471,589, plus strand): 5'-AGGTGCAGCTGAGCTCTGTGGTGTTGCAGAGGGGCAGGATGGCCCCAGCCTGGCCTGAGG[G>A]TCTCCAAGAAACCACATAACCTTGGATCCGTCCGCTGTCTTCCTCCAGGGGCACTGGCTG-3'
Protein context (NP_000751.1, residues 367-387): RIQGYVVSWR[Pro377Ser]SGQAGAILPL